The following is an entry in ClinVar:

ClinVar aggregate classification (germline): Uncertain significance. Review status: criteria provided, multiple submitters, no conflicts (2 of 4 stars). 3 submissions from 3 submitters: Uncertain significance (3). Last evaluated 2024-06-18.

Conditions:
Epidermolysis bullosa, junctional 5A, intermediate. Also called: EPIDERMOLYSIS BULLOSA, JUNCTIONAL 5A, GENERALIZED INTERMEDIATE; EPIDERMOLYSIS BULLOSA, JUNCTIONAL 5A, NON-HERLITZ TYPE. Identifiers: MedGen C5676956, MONDO:0030768, OMIM 619816.
Junctional epidermolysis bullosa with pyloric atresia. Also called: APLASIA CUTIS CONGENITA WITH GASTROINTESTINAL ATRESIA; ITGB4-Related Epidermolysis Bullosa with Pyloric Atresia; ITGA6-Related Epidermolysis Bullosa with Pyloric Atresia; Epidermolysis bullosa, junctional, with pyloric atresia and aplasia cutis congenita; Epidermolysis bullosa junctionalis with pyloric atresia; EPIDERMOLYSIS BULLOSA, JUNCTIONAL 5B, WITH PYLORIC ATRESIA. Identifiers: Orphanet 79403, MedGen C5676875, MONDO:0009183, OMIM 226730.

Allele frequency attached by ClinVar (database versions not stated): gnomAD exomes 0.00005; gnomAD 0.00006; ExAC 0.00010; ESP Exome Variant Server 0.00023.
gnomAD v4.1: 96 of 1,613,444 alleles (0.006%); highest among the groups gnomAD compares: Middle Eastern, 0.017%; no homozygotes.

Submissions (3):

Fulgent Genetics
Classification: Uncertain significance for Junctional epidermolysis bullosa with pyloric atresia; Epidermolysis bullosa, junctional 5A, intermediate. Last evaluated: 2024-06-18. Review status: criteria provided, single submitter. Criteria: ACMG Guidelines, 2015. Collection method: clinical testing. Allele origin: germline.

Labcorp Genetics (formerly Invitae), Labcorp
Classification: Uncertain significance. Last evaluated: 2022-10-24. Review status: criteria provided, single submitter. Criteria: Invitae Variant Classification Sherloc (09022015). Collection method: clinical testing. Allele origin: germline.
Comment: This sequence change replaces arginine, which is basic and polar, with glutamine, which is neutral and polar, at codon 111 of the ITGB4 protein (p.Arg111Gln). This variant is present in population databases (rs200008946, gnomAD 0.01%). This variant has not been reported in the literature in individuals affected with ITGB4-related conditions. Advanced modeling of protein sequence and biophysical properties (such as structural, functional, and spatial information, amino acid conservation, physicochemical variation, residue mobility, and thermodynamic stability) performed at Invitae indicates that this missense variant is not expected to disrupt ITGB4 protein function. In summary, the available evidence is currently insufficient to determine the role of this variant in disease. Therefore, it has been classified as a Variant of Uncertain Significance.

Department of Pathology and Laboratory Medicine, Sinai Health System
Classification: Uncertain significance for Junctional epidermolysis bullosa with pyloric atresia; Epidermolysis bullosa, junctional 5A, intermediate. Last evaluated: 2022-05-30. Review status: criteria provided, single submitter. Criteria: ACMG Guidelines, 2015. Collection method: research. Allele origin: germline.

NM_000213.5(ITGB4):c.332G>A (p.Arg111Gln)

Gene: ITGB4 (integrin subunit beta 4; plus strand). Cytogenetic location: 17q25.1.
Variant type: single nucleotide variant.
Coding change: c.332G>A on transcript NM_000213.5 (MANE Select); coding-DNA position 332, G replaced by A.
Protein change: p.Arg111Gln; replaces arginine 111 with glutamine.
Molecular consequence: missense variant.
Genome position (GRCh38, 1-based): chr17:75,727,718, G>A. VCF-style: chr17-75727718-G-A. GRCh37 (hg19) VCF-style: chr17-73723799-G-A.
Other names: c.332G>A, p.Arg111Gln (NM_001005619.2, NM_001005731.3, NM_001321123.2); short protein forms R111Q.
Identifiers: ClinVar variation 2086184 (VCV002086184.3), dbSNP rs200008946, ClinGen allele CA8768644.